The following is an entry in ClinVar:

ClinVar aggregate classification (germline): Uncertain significance (1 of 4 stars; one submission).

Conditions:
Inborn genetic diseases. Identifiers: MedGen C0950123, MeSH D030342.

gnomAD v4.1: 2 of 1,613,824 alleles (0.00012%); highest among the groups gnomAD compares: African/African-American, 0.0013%; no homozygotes.

Submission:

Ambry Genetics
Classification: Uncertain significance for Inborn genetic diseases. Last evaluated: 2025-07-05. Review status: criteria provided, single submitter. Criteria: Ambry Variant Classification Scheme 2023. Collection method: clinical testing. Allele origin: germline.
Comment: The p.A1087T variant (also known as c.3259G>A), located in coding exon 1 of the SAMD9L gene, results from a G to A substitution at nucleotide position 3259. The alanine at codon 1087 is replaced by threonine, an amino acid with similar properties. This amino acid position is conserved. In addition, this alteration is predicted to be tolerated by in silico analysis. Based on the available evidence, the clinical significance of this variant remains unclear.

NM_152703.5(SAMD9L):c.3259G>A (p.Ala1087Thr)

Gene: SAMD9L (sterile alpha motif domain containing 9 like; minus strand). Cytogenetic location: 7q21.2.
Variant type: single nucleotide variant.
Coding change: c.3259G>A on transcript NM_152703.5 (MANE Select); coding-DNA position 3259, G replaced by A.
Protein change: p.Ala1087Thr; replaces alanine 1087 with threonine.
Molecular consequence: missense variant.
Genome position (GRCh38, 1-based): chr7:93,132,713, C>T on the plus strand (G>A on the coding strand, the complement: SAMD9L is on the minus strand). VCF-style: chr7-93132713-C-T. GRCh37 (hg19) VCF-style: chr7-92762026-C-T.
Other names: c.3259G>A, p.Ala1087Thr (NM_001303496.3, NM_001303497.3, NM_001303498.3 and 5 more transcripts); short protein forms A1087T.
Identifiers: ClinVar variation 4159300 (VCV004159300.1).